The following is an entry in ClinVar:

NM_004357.5(CD151):c.512G>A (p.Arg171His)

Gene: CD151 (CD151 molecule (Raph blood group); plus strand). Cytogenetic location: 11p15.5.
Variant type: single nucleotide variant.
Coding change: c.512G>A on transcript NM_004357.5 (MANE Select); coding-DNA position 512, G replaced by A.
Protein change: p.Arg171His; replaces arginine 171 with histidine.
Molecular consequence: missense variant.
Genome position (GRCh38, 1-based): chr11:837,515, G>A. VCF-style: chr11-837515-G-A. GRCh37 (hg19) VCF-style: chr11-837515-G-A.
Other names: c.512G>A, p.Arg171His (NM_001039490.2, NM_139029.2, NM_139030.4); short protein forms R171H.
Identifiers: ClinVar variation 1464980 (VCV001464980.8), dbSNP rs750915626, ClinGen allele CA5792248.
Genomic context (GRCh38, chr11:837,515, plus strand): 5'-TGCAGTTCCACTGCTGTGGCAGCAACAACTCACAGGACTGGCGAGACAGTGAGTGGATCC[G>A]CTCACAGGAGGCCGGTGGCCGTGTGGTCCCAGACAGCTGCTGCAAGACGGTGGTGGCTCT-3'
Protein context (NP_004348.2, residues 161-181): SQDWRDSEWI[Arg171His]SQEAGGRVVP

ClinVar aggregate classification (germline): Uncertain significance (1 of 4 stars; one submission).

Allele frequency attached by ClinVar (database versions not stated): TOPMed below 0.00001; ExAC 0.00001; gnomAD 0.00001; gnomAD exomes 0.00001 and 0.00002.
gnomAD v4.1: 10 of 1,612,608 alleles (0.00062%); highest among the groups gnomAD compares: Admixed American, 0.0083%; no homozygotes.

Submission:

Labcorp Genetics (formerly Invitae), Labcorp
Classification: Uncertain significance. Last evaluated: 2025-03-10. Review status: criteria provided, single submitter. Criteria: Invitae Variant Classification Sherloc (09022015). Collection method: clinical testing. Allele origin: germline.
Comment: This sequence change replaces arginine, which is basic and polar, with histidine, which is basic and polar, at codon 171 of the CD151 protein (p.Arg171His). This variant is present in population databases (rs750915626, gnomAD 0.009%). This variant has not been reported in the literature in individuals affected with CD151-related conditions. ClinVar contains an entry for this variant (Variation ID: 1464980). An algorithm developed to predict the effect of missense changes on protein structure and function outputs the following: PolyPhen-2: "Benign". The histidine amino acid residue is found in multiple mammalian species, which suggests that this missense change does not adversely affect protein function. In summary, the available evidence is currently insufficient to determine the role of this variant in disease. Therefore, it has been classified as a Variant of Uncertain Significance.